The following is an entry in ClinVar:

NM_000094.4(COL7A1):c.5744G>A (p.Arg1915His)

Gene: COL7A1 (collagen type VII alpha 1 chain; minus strand). Cytogenetic location: 3p21.31.
Variant type: single nucleotide variant.
Coding change: c.5744G>A on transcript NM_000094.4 (MANE Select); coding-DNA position 5744, G replaced by A.
Protein change: p.Arg1915His; replaces arginine 1915 with histidine.
Molecular consequence: missense variant.
Genome position (GRCh38, 1-based): chr3:48,576,428, C>T on the plus strand (G>A on the coding strand, the complement: COL7A1 is on the minus strand). VCF-style: chr3-48576428-C-T. GRCh37 (hg19) VCF-style: chr3-48613861-C-T.
Other names: short protein forms R1915H.
Identifiers: ClinVar variation 2162488 (VCV002162488.2), dbSNP rs772888814, ClinGen allele CA2379346.
Genomic context (GRCh38, chr3:48,576,428, plus strand): 5'-ACCTGGGCATGTGGAAAAGGTGGGGGCCTCACCTGCTCCCCTTTGGATCCAGTCTCCCCA[C>T]GGTCACCCTGAAAACAAGAATGACCAGGTGGGGAAATGGCCCCCAGCCTGGTCAGCCCCC-3'
Protein context (NP_000085.1, residues 1905-1925): VPGGTGPKGD[Arg1915His]GETGSKGEQG

ClinVar aggregate classification (germline): Uncertain significance (1 of 4 stars; one submission).

Allele frequency attached by ClinVar (database versions not stated): ExAC 0.00003; gnomAD 0.00003; TOPMed 0.00003.
gnomAD v4.1: 35 of 1,613,650 alleles (0.0022%); highest among the groups gnomAD compares: Admixed American, 0.0083%; no homozygotes.

Submission:

Labcorp Genetics (formerly Invitae), Labcorp
Classification: Uncertain significance. Last evaluated: 2024-09-15. Review status: criteria provided, single submitter. Criteria: Invitae Variant Classification Sherloc (09022015). Collection method: clinical testing. Allele origin: germline.
Comment: This sequence change replaces arginine, which is basic and polar, with histidine, which is basic and polar, at codon 1915 of the COL7A1 protein (p.Arg1915His). This variant is present in population databases (rs772888814, gnomAD 0.01%). This variant has not been reported in the literature in individuals affected with COL7A1-related conditions. ClinVar contains an entry for this variant (Variation ID: 2162488). Invitae Evidence Modeling of protein sequence and biophysical properties (such as structural, functional, and spatial information, amino acid conservation, physicochemical variation, residue mobility, and thermodynamic stability) has been performed for this missense variant. However, the output from this modeling did not meet the statistical confidence thresholds required to predict the impact of this variant on COL7A1 protein function. In summary, the available evidence is currently insufficient to determine the role of this variant in disease. Therefore, it has been classified as a Variant of Uncertain Significance.